The following is an entry in ClinVar:

NM_000388.4(CASR):c.1190G>A (p.Gly397Glu)

Gene: CASR (calcium sensing receptor; plus strand). Cytogenetic location: 3q21.1.
Variant type: single nucleotide variant.
Coding change: c.1190G>A on transcript NM_000388.4 (MANE Select); coding-DNA position 1190, G replaced by A.
Protein change: p.Gly397Glu; replaces glycine 397 with glutamic acid.
Molecular consequence: missense variant.
Genome position (GRCh38, 1-based): chr3:122,262,225, G>A. VCF-style: chr3-122262225-G-A. GRCh37 (hg19) VCF-style: chr3-121981072-G-A.
Other names: c.1190G>A, p.Gly397Glu (NM_001178065.2); short protein forms G397E.
Identifiers: ClinVar variation 1350964 (VCV001350964.6), dbSNP rs1210105383, ClinGen allele CA354152781.
Genomic context (GRCh38, chr3:122,262,225, plus strand): 5'-ACGAAGAAAGTGGCGACAGGTTTAGCAACAGCTCGACAGCCTTCCGACCCCTCTGTACAG[G>A]GGATGAGAACATCAGCAGTGTCGAGACCCCTTACATAGATTACACGCATTTACGGATATC-3'
Protein context (NP_000379.3, residues 387-407): SSTAFRPLCT[Gly397Glu]DENISSVETP

ClinVar aggregate classification (germline): Uncertain significance (1 of 4 stars; one submission).

Conditions:
Familial hypocalciuric hypercalcemia (FHH). Also called: Familial benign hypercalcemia. Identifiers: Orphanet 405, MedGen C1809471, MONDO:0018458.
Autosomal dominant hypocalcemia 1 (HYPOC1). Also called: HYPOCALCEMIA, FAMILIAL. Identifiers: MedGen C3715128, MONDO:0011013, OMIM 601198.

Submission:

Labcorp Genetics (formerly Invitae), Labcorp
Classification: Uncertain significance for Familial hypocalciuric hypercalcemia; Autosomal dominant hypocalcemia 1. Last evaluated: 2023-08-30. Review status: criteria provided, single submitter. Criteria: Invitae Variant Classification Sherloc (09022015). Collection method: clinical testing. Allele origin: germline.
Comment: This variant has not been reported in the literature in individuals affected with CASR-related conditions. This sequence change replaces glycine, which is neutral and non-polar, with glutamic acid, which is acidic and polar, at codon 397 of the CASR protein (p.Gly397Glu). This variant is not present in population databases (gnomAD no frequency). ClinVar contains an entry for this variant (Variation ID: 1350964). An algorithm developed to predict the effect of missense changes on protein structure and function (PolyPhen-2) suggests that this variant is likely to be disruptive. In summary, the available evidence is currently insufficient to determine the role of this variant in disease. Therefore, it has been classified as a Variant of Uncertain Significance.